The following is an entry in ClinVar:

NM_000179.3(MSH6):c.2578_2581del (p.Ser860fs)

Gene: MSH6 (mutS homolog 6; plus strand). Cytogenetic location: 2p16.3.
Variant type: Deletion.
Coding change: c.2578_2581del on transcript NM_000179.3 (MANE Select); coding-DNA positions 2578 to 2581, 4 bases deleted (TCTG; older notation c.2578_2581delTCTG).
Protein change: p.Ser860fs; shifts the reading frame from serine 860.
Molecular consequence: frameshift variant. On other transcripts: non-coding transcript variant (5), intron variant (3).
Genome position (GRCh38, 1-based): chr2:47,800,561-47,800,564, TCTG deleted. VCF-style (leftmost placement, unchanged base first): chr2-47800560-TTCTG-T. GRCh37 (hg19) VCF-style: chr2-48027699-TTCTG-T.
Other names: c.2188_2191del, p.Ser730fs (NM_001281492.2); c.1672_1675del, p.Ser558fs (NM_001281493.2, NM_001281494.2, NM_001406811.1 and 6 more transcripts); c.2674_2677del, p.Ser892fs (NM_001406795.1, NM_001406802.1); c.2578_2581del, p.Ser860fs (NM_001406796.1, NM_001406798.1, NM_001406800.1 and 2 more transcripts); c.2281_2284del, p.Ser761fs (NM_001406797.1, NM_001406801.1, NM_001406805.1 and 10 more transcripts); c.2053_2056del, p.Ser685fs (NM_001406799.1, NM_001406806.1, NM_001406807.1); c.2500_2503del, p.Ser834fs (NM_001406804.1); c.2584_2587del, p.Ser862fs (NM_001406813.1); and 4 more; short protein forms S558fs, S685fs, S730fs, S761fs, S804fs, S834fs, S860fs, S862fs.
Identifiers: ClinVar variation 3894036 (VCV003894036.1).
Genomic context (GRCh38, chr2:47,800,560, plus strand): 5'-CAGCAGGGCTATAATGTATGAAGAAACTACATACAGCAAGAAGAAGATTATTGATTTTCT[TTCTG>T]CTCTGGAAGGATTCAAAGTAATGTGTAAAATTATAGGGATCATGGAAGAAGTTGCTGATG-3'

ClinVar aggregate classification (germline): Pathogenic (1 of 4 stars; one submission).

Conditions:
Hereditary cancer-predisposing syndrome. Also called: Neoplastic Syndromes, Hereditary; Tumor predisposition; Hereditary Cancer Syndrome; Hereditary neoplastic syndrome. Identifiers: Orphanet 140162, MedGen C0027672, MeSH D009386, MONDO:0015356.

Submission:

Color Diagnostics, LLC DBA Color Health
Classification: Pathogenic for Hereditary cancer-predisposing syndrome. Last evaluated: 2024-08-05. Review status: criteria provided, single submitter. Criteria: ACMG Guidelines, 2015. Collection method: clinical testing. Allele origin: germline.
Comment: This variant deletes 4 nucleotides in exon 4 of the MSH6 gene, creating a frameshift and premature translation stop signal. This variant is expected to result in an absent or non-functional protein product. To our knowledge, this variant has not been reported in individuals affected with MSH6-related disorders in the literature. An individual affected with early-onset colorectal cancer whose tumor displayed high microsatellite instability and loss of MSH6 protein expression via immunohistochemistry carries a different MSH6 variant, c.2577_2580delTTCT, p.Ser860Leufs*7, resulting in a frameshift at the same amino acid codon (PMID: 37307877). This variant has not been identified in the general population by the Genome Aggregation Database (gnomAD). Loss of MSH6 function is a known mechanism of disease. Based on the available evidence, this variant is classified as Pathogenic.

Literature cited by the submitters: PubMed 37307877.